The following is an entry in ClinVar:

NM_003482.4(KMT2D):c.14295C>A (p.Val4765=)

Gene: KMT2D (lysine methyltransferase 2D; minus strand). Cytogenetic location: 12q13.12.
Variant type: single nucleotide variant.
Coding change: c.14295C>A on transcript NM_003482.4 (MANE Select); coding-DNA position 14295, C replaced by A.
Protein change: p.Val4765=; no amino-acid change (valine 4765 retained).
Molecular consequence: synonymous variant.
Genome position (GRCh38, 1-based): chr12:49,028,915, G>T on the plus strand (C>A on the coding strand, the complement: KMT2D is on the minus strand). VCF-style: chr12-49028915-G-T. GRCh37 (hg19) VCF-style: chr12-49422698-G-T.
Identifiers: ClinVar variation 2153538 (VCV002153538.12), dbSNP rs1178919358, ClinGen allele CA479707019.

ClinVar aggregate classification (germline): Benign/Likely benign. Review status: criteria provided, multiple submitters, no conflicts (2 of 4 stars). 3 submissions from 3 submitters: Benign (1); Likely benign (2). Last evaluated 2026-01-07.

Conditions:
KMT2D-related disorder. Also called: KMT2D-Related Disorders.
Kabuki syndrome. Also called: NIIKAWA-KUROKI SYNDROME; Kabuki make-up syndrome. Identifiers: Orphanet 2322, MedGen C0796004, MONDO:0016512.

Allele frequency attached by ClinVar (database versions not stated): gnomAD exomes below 0.00001; TOPMed 0.00001.
gnomAD v4.1: 2 of 1,613,992 alleles (0.00012%); highest among the groups gnomAD compares: Admixed American, 0.0033%; no homozygotes.

Submissions (3):

Labcorp Genetics (formerly Invitae), Labcorp
Classification: Benign for Kabuki syndrome. Last evaluated: 2026-01-07. Review status: criteria provided, single submitter. Criteria: Invitae Variant Classification Sherloc (09022015). Collection method: clinical testing. Allele origin: germline.

CeGaT Center for Human Genetics Tuebingen
Classification: Likely benign. Last evaluated: 2025-09-01. Review status: criteria provided, single submitter. Criteria: CeGaT Center For Human Genetics Tuebingen Variant Classification Criteria Version 2. Collection method: clinical testing. Allele origin: germline. Affected: yes. Observed: 1 variant allele.
Comment: KMT2D: BP4, BP7

PreventionGenetics, part of Exact Sciences
Classification: Likely benign for KMT2D-related condition. Last evaluated: 2025-05-23. Review status: criteria provided, single submitter. Criteria: ACMG Guidelines, 2015. Collection method: clinical testing. Allele origin: germline.
Comment: This variant is classified as likely benign based on ACMG/AMP sequence variant interpretation guidelines (Richards et al. 2015 PMID: 25741868, with internal and published modifications).